The following is an entry in ClinVar:

ClinVar aggregate classification (germline): Uncertain significance (1 of 4 stars; one submission).

Conditions:
Hereditary cancer-predisposing syndrome. Also called: Tumor predisposition; Hereditary neoplastic syndrome; Hereditary Cancer Syndrome; Neoplastic Syndromes, Hereditary. Identifiers: Orphanet 140162, MedGen C0027672, MeSH D009386, MONDO:0015356.

Submission:

Ambry Genetics
Classification: Uncertain significance for Hereditary cancer-predisposing syndrome. Last evaluated: 2026-03-03. Review status: criteria provided, single submitter. Criteria: Ambry Variant Classification Scheme 2023. Collection method: clinical testing. Allele origin: germline.
Comment: The p.L2692S variant (also known as c.8075T>C), located in coding exon 54 of the ATM gene, results from a T to C substitution at nucleotide position 8075. The leucine at codon 2692 is replaced by serine, an amino acid with dissimilar properties. This amino acid position is conserved. In addition, this alteration is predicted to be deleterious by in silico analysis. Based on the available evidence, the clinical significance of this variant remains unclear.

NM_000051.4(ATM):c.8075T>C (p.Leu2692Ser)

Genes: ATM (ATM serine/threonine kinase; plus strand), C11orf65 (chromosome 11 open reading frame 65; minus strand). Cytogenetic location: 11q22.3.
Variant type: single nucleotide variant.
Coding change: c.8075T>C on transcript NM_000051.4 (MANE Select); coding-DNA position 8075, T replaced by C.
Protein change: p.Leu2692Ser; replaces leucine 2692 with serine.
Molecular consequence: missense variant. On other transcripts: intron variant (2).
Genome position (GRCh38, 1-based): chr11:108,335,033, T>C. VCF-style: chr11-108335033-T-C. GRCh37 (hg19) VCF-style: chr11-108205760-T-C.
Other names: c.8075T>C, p.Leu2692Ser (NM_001351834.2); c.641-25962A>G (NM_001330368.2); c.*38+187A>G (NM_001351110.2); short protein forms L2692S.
Identifiers: ClinVar variation 4827593 (VCV004827593.1).
Genomic context (GRCh38, chr11:108,335,033, plus strand): 5'-ACCACACAGGAGAATATGGAAATCTGGTGACTATACAGTCATTTAAAGCAGAATTTCGCT[T>C]AGCAGGAGGTGTAAATTTACCAAAAATAATAGATTGTGTAGGTTCCGATGGCAAGGAGAG-3'
Protein context (NP_000042.3, residues 2682-2702): TIQSFKAEFR[Leu2692Ser]AGGVNLPKII